The following is an entry in ClinVar:

ClinVar aggregate classification (germline): Uncertain significance. Review status: criteria provided, multiple submitters, no conflicts (2 of 4 stars). 2 submissions from 2 submitters: Uncertain significance (2). Last evaluated 2022-07-19.

Allele frequency attached by ClinVar (database versions not stated): gnomAD 0.00007 and 0.00008; gnomAD exomes 0.00007 and 0.00026; ESP Exome Variant Server 0.00008; TOPMed 0.00012; ExAC 0.00022.
gnomAD v4.1: 117 of 1,608,572 alleles (0.0073%); highest among the groups gnomAD compares: Admixed American, 0.084%; no homozygotes.

Submissions (2):

Labcorp Genetics (formerly Invitae), Labcorp
Classification: Uncertain significance. Last evaluated: 2022-07-19. Review status: criteria provided, single submitter. Criteria: Invitae Variant Classification Sherloc (09022015). Collection method: clinical testing. Allele origin: germline.
Comment: This sequence change replaces threonine, which is neutral and polar, with methionine, which is neutral and non-polar, at codon 1930 of the OTOGL protein (p.Thr1930Met). This variant is present in population databases (rs371201947, gnomAD 0.1%). This variant has not been reported in the literature in individuals affected with OTOGL-related conditions. ClinVar contains an entry for this variant (Variation ID: 1218456). Algorithms developed to predict the effect of missense changes on protein structure and function output the following: SIFT: "Tolerated"; PolyPhen-2: "Benign"; Align-GVGD: "Class C0". The methionine amino acid residue is found in multiple mammalian species, which suggests that this missense change does not adversely affect protein function. In summary, the available evidence is currently insufficient to determine the role of this variant in disease. Therefore, it has been classified as a Variant of Uncertain Significance.

GeneDx
Classification: Uncertain significance. Last evaluated: 2020-10-26. Review status: criteria provided, single submitter. Criteria: GeneDx Variant Classification Process June 2021. Collection method: clinical testing. Allele origin: germline. Affected: yes.
Comment: In silico analysis, which includes protein predictors and evolutionary conservation, supports that this variant does not alter protein structure/function; Has not been previously published as pathogenic or benign to our knowledge

NM_001378609.3(OTOGL):c.5816C>T (p.Thr1939Met)

Gene: OTOGL (otogelin like; plus strand). Cytogenetic location: 12q21.31.
Variant type: single nucleotide variant.
Coding change: c.5816C>T on transcript NM_001378609.3 (MANE Select); coding-DNA position 5816, C replaced by T.
Protein change: p.Thr1939Met; replaces threonine 1939 with methionine.
Molecular consequence: missense variant.
Genome position (GRCh38, 1-based): chr12:80,356,425, C>T. VCF-style: chr12-80356425-C-T. GRCh37 (hg19) VCF-style: chr12-80750205-C-T.
Other names: c.5681C>T, p.Thr1894Met (NM_001368062.3); c.5816C>T, p.Thr1939Met (NM_001378610.3, NM_173591.7); short protein forms T1894M, T1939M.
Identifiers: ClinVar variation 1218456 (VCV001218456.6), dbSNP rs371201947, ClinGen allele CA6701830.